The following is an entry in ClinVar:

NM_003002.4(SDHD):c.2T>C (p.Met1Thr)

Genes: SDHD (succinate dehydrogenase complex subunit D; plus strand), LOC126861339 (BRD4-independent group 4 enhancer GRCh37_chr11:111957035-111958234; plus strand). Cytogenetic location: 11q23.1.
Variant type: single nucleotide variant.
Coding change: c.2T>C on transcript NM_003002.4 (MANE Select); coding-DNA position 2, T replaced by C.
Protein change: p.Met1Thr; changes the start codon (methionine 1).
Molecular consequence: missense variant, initiator codon variant. On other transcripts: non-coding transcript variant (1).
Genome position (GRCh38, 1-based): chr11:112,086,909, T>C. VCF-style: chr11-112086909-T-C. GRCh37 (hg19) VCF-style: chr11-111957633-T-C.
Other names: c.2T>C, p.Met1Thr (NM_001276503.2, NM_001276504.2, NM_001276506.2); short protein forms M1T.
Identifiers: ClinVar variation 2925495 (VCV002925495.3), dbSNP rs2498895308, ClinGen allele CA382616601.

ClinVar aggregate classification (germline): Pathogenic (1 of 4 stars; one submission).

Conditions:
Pheochromocytoma. Also called: MAX-Related Hereditary Paraganglioma-Pheochromocytoma Syndrome. Identifiers: Orphanet 29072, MedGen C0031511, MONDO:0008233, OMIM 171300, HP:0002666.
Paragangliomas with sensorineural hearing loss. Identifiers: MedGen C1868633.
Carney-Stratakis syndrome. Also called: PARAGANGLIOMA AND GASTROINTESTINAL STROMAL TUMOR. Identifiers: Orphanet 97286, MedGen C1847319, MONDO:0011740, OMIM 606864.
Cowden syndrome 3 (CWS3). Identifiers: Orphanet 201, MedGen CN166604, MONDO:0014045.

Submission:

Labcorp Genetics (formerly Invitae), Labcorp
Classification: Pathogenic for Carney-Stratakis syndrome; Paragangliomas with sensorineural hearing loss; Pheochromocytoma; Cowden syndrome 3. Last evaluated: 2023-05-08. Review status: criteria provided, single submitter. Criteria: Invitae Variant Classification Sherloc (09022015). Collection method: clinical testing. Allele origin: germline.
Comment: Disruption of the initiator codon has been observed in individual(s) with paragangliomas (PMID: 19454582). For these reasons, this variant has been classified as Pathogenic. This variant disrupts a region of the SDHD protein in which other variant(s) (p.His50Asp) have been determined to be pathogenic (Invitae). This suggests that this is a clinically significant region of the protein, and that variants that disrupt it are likely to be disease-causing. This variant is not present in population databases (gnomAD no frequency). This sequence change affects the initiator methionine of the SDHD mRNA. The next in-frame methionine is located at codon 91.

Literature cited by the submitters: PubMed 19454582.